The following is an entry in ClinVar:

ClinVar aggregate classification (germline): Pathogenic (1 of 4 stars; one submission).

Conditions:
Holoprosencephaly 5 (HPE5). Identifiers: Orphanet 2162, MedGen C1864827, MONDO:0012322, OMIM 609637.

Submission:

Labcorp Genetics (formerly Invitae), Labcorp
Classification: Pathogenic for Holoprosencephaly 5. Last evaluated: 2019-12-30. Review status: criteria provided, single submitter. Criteria: Invitae Variant Classification Sherloc (09022015). Collection method: clinical testing. Allele origin: germline.
Comment: A gross deletion of the genomic region encompassing the full coding sequence of the ZIC2 gene has been identified. The boundaries of this event are unknown as the deletion extends beyond the assayed region for this gene and therefore may encompass additional genes. Similar deletions have been observed in individual(s) with holoprosencephaly (PMID: 19955556). In at least one individual the variant was observed to be de novo. Loss-of-function variants in ZIC2 are known to be pathogenic (PMID: 17274816, 19955556, 29770992). For these reasons, this variant has been classified as Pathogenic.

Literature cited by the submitters: PubMed 19955556.

NC_000013.11:g.(?_99385979)_(99986648_?)del

Genes: CLYBL (citramalyl-CoA lyase; plus strand), TM9SF2 (transmembrane 9 superfamily member 2; plus strand), UBAC2 (UBA domain containing 2; plus strand), ZIC2 (Zic family member 2; plus strand), ZIC5 (Zic family member 5; minus strand). Cytogenetic location: 13q32.3.
Variant type: Deletion.
Identifiers: ClinVar variation 830571 (VCV000830571.1).